The following is an entry in ClinVar:

ClinVar aggregate classification (germline): Uncertain significance (1 of 4 stars; one submission).

Submission:

GeneDx
Classification: Uncertain significance. Last evaluated: 2021-11-23. Review status: criteria provided, single submitter. Criteria: GeneDx Variant Classification Process June 2021. Collection method: clinical testing. Allele origin: germline. Affected: yes.
Comment: Not observed at significant frequency in large population cohorts (Lek et al., 2016); In silico analysis supports that this missense variant does not alter protein structure/function; Has not been previously published as pathogenic or benign to our knowledge

NM_005334.3(HCFC1):c.1903G>C (p.Val635Leu)

Gene: HCFC1 (host cell factor C1; minus strand). Cytogenetic location: Xq28.
Variant type: single nucleotide variant.
Coding change: c.1903G>C on transcript NM_005334.3 (MANE Select); coding-DNA position 1903, G replaced by C.
Protein change: p.Val635Leu; replaces valine 635 with leucine.
Molecular consequence: missense variant.
Genome position (GRCh38, 1-based): chrX:153,958,150, C>G on the plus strand (G>C on the coding strand, the complement: HCFC1 is on the minus strand). VCF-style: chrX-153958150-C-G. GRCh37 (hg19) VCF-style: chrX-153223601-C-G.
Other names: short protein forms V635L.
Identifiers: ClinVar variation 1312865 (VCV001312865.3), dbSNP rs2148583591, ClinGen allele CA415133982.